The following is an entry in ClinVar:

ClinVar aggregate classification (germline): Uncertain significance (1 of 4 stars; one submission).

Allele frequency attached by ClinVar (database versions not stated): gnomAD exomes below 0.00001 and 0.00001.
gnomAD v4.1: 2 of 1,614,176 alleles (0.00012%); highest among the groups gnomAD compares: Admixed American, 0.0033%; no homozygotes.

Submission:

GeneDx
Classification: Uncertain significance. Last evaluated: 2014-09-15. Review status: criteria provided, single submitter. Criteria: GeneDx Variant Classification (06012015). Collection method: clinical testing. Allele origin: germline. Affected: yes.
Comment: p.Lys276Asn (AAG>AAC): c.828 G>C in exon 8 of the ADSL gene (NM_000026.2)A variant of unknown significance has been identified in the ADSL gene. The K276N variant has not been published as a mutation, nor has it been reported as a benign polymorphism to our knowledge. It was not observed in approximately 6,500 individuals of European and African American ancestry in the NHLBI Exome Sequencing Project, indicating it is not a common benign variant in these populations. The K276N variant is a semi-conservative amino acid substitution, which may impact secondary protein structure as these residues differ in some properties. However, in silico analysis is inconsistent in its predictions as to whether or not the K276N variant is damaging to the protein structure/function. This substitution occurs at a position that is highly conserved across species, and missense mutations in a nearby residue (D268H and D268N) have been reported in association with adenylosuccinate lyase deficiency, supporting the functional importance of this region of the protein. Therefore, based on the currently available information, it is unclear whether the K276N variant is a pathogenic mutation or a rare benign variant. The variant is found in EPILEPSY panel(s).

NM_000026.4(ADSL):c.828G>C (p.Lys276Asn)

Gene: ADSL (adenylosuccinate lyase; plus strand). Cytogenetic location: 22q13.1.
Variant type: single nucleotide variant.
Coding change: c.828G>C on transcript NM_000026.4 (MANE Select); coding-DNA position 828, G replaced by C.
Protein change: p.Lys276Asn; replaces lysine 276 with asparagine.
Molecular consequence: missense variant. On other transcripts: non-coding transcript variant (1).
Genome position (GRCh38, 1-based): chr22:40,361,308, G>C. VCF-style: chr22-40361308-G-C. GRCh37 (hg19) VCF-style: chr22-40757312-G-C.
Other names: p.K276N:AAG>AAC; c.828G>C, p.Lys276Asn (NM_001123378.3, NM_001363840.3); c.636G>C, p.Lys212Asn (NM_001317923.2); short protein forms K276N, K212N.
Identifiers: ClinVar variation 204787 (VCV000204787.2), dbSNP rs796052245, ClinGen allele CA313095.